The following is an entry in ClinVar:

NM_005026.5(PIK3CD):c.401C>T (p.Pro134Leu)

Gene: PIK3CD (phosphatidylinositol-4,5-bisphosphate 3-kinase catalytic subunit delta; plus strand). Cytogenetic location: 1p36.22.
Variant type: single nucleotide variant.
Coding change: c.401C>T on transcript NM_005026.5 (MANE Select); coding-DNA position 401, C replaced by T.
Protein change: p.Pro134Leu; replaces proline 134 with leucine.
Molecular consequence: missense variant.
Genome position (GRCh38, 1-based): chr1:9,715,879, C>T. VCF-style: chr1-9715879-C-T. GRCh37 (hg19) VCF-style: chr1-9775937-C-T.
Other names: c.401C>T, p.Pro134Leu (NM_001350234.2, NM_001350235.1); short protein forms P134L.
Identifiers: ClinVar variation 951744 (VCV000951744.12), dbSNP rs1351397800, ClinGen allele CA338300533.

ClinVar aggregate classification (germline): Uncertain significance. Review status: criteria provided, single submitter (1 of 4 stars). 2 submissions from 2 submitters: Uncertain significance (1). 1 of the submissions does not count toward it. Last evaluated 2026-02-01.

Conditions:
Immunodeficiency 14 (IMD14A). Also called: ACTIVATED PI3K-DELTA SYNDROME 1; IMMUNODEFICIENCY 14A WITH LYMPHOPROLIFERATION, AUTOSOMAL DOMINANT; Activated PI3K Delta Syndrome Type 1 (APDS1); p110-DELTA-ACTIVATING MUTATION CAUSING SENESCENT T CELLS, LYMPHADENOPATHY, AND IMMUNODEFICIENCY. Identifiers: Orphanet 397596, Orphanet 693661, MedGen C5907821, MONDO:0014222, OMIM 615513.
Activated PI3K-delta syndrome. Identifiers: Orphanet 397596, MedGen C3714976, MONDO:0018338.

Allele frequency attached by ClinVar (database versions not stated): gnomAD exomes below 0.00001; gnomAD 0.00001; TOPMed 0.00001.
gnomAD v4.1: 8 of 1,612,518 alleles (0.0005%); highest among the groups gnomAD compares: South Asian, 0.0011%; no homozygotes.

Submissions (2):

Labcorp Genetics (formerly Invitae), Labcorp
Classification: Uncertain significance for Activated PI3K-delta syndrome. Last evaluated: 2026-02-01. Review status: criteria provided, single submitter. Criteria: Invitae Variant Classification Sherloc (09022015). Collection method: clinical testing. Allele origin: germline.
Comment: This sequence change replaces proline, which is neutral and non-polar, with leucine, which is neutral and non-polar, at codon 134 of the PIK3CD protein (p.Pro134Leu). This variant is present in population databases (no rsID available, gnomAD 0.003%). This variant has not been reported in the literature in individuals affected with PIK3CD-related conditions. ClinVar contains an entry for this variant (Variation ID: 951744). Invitae Evidence Modeling of protein sequence and biophysical properties (such as structural, functional, and spatial information, amino acid conservation, physicochemical variation, residue mobility, and thermodynamic stability) indicates that this missense variant is not expected to disrupt PIK3CD protein function with a negative predictive value of 80%. In summary, the available evidence is currently insufficient to determine the role of this variant in disease. Therefore, it has been classified as a Variant of Uncertain Significance.

Rarefied Biosciences Lab
Classification: Likely benign for Activated PI3K-delta syndrome. Review status: no assertion criteria provided. Collection method: research. Allele origin: germline, not applicable. Affected: yes. Functional consequence: gain_of_function_variant. Not counted in ClinVar's aggregate classification.
Comment: The PIK3CD c.401C>T (p.Pro134Leu) variant results in a missense substitution of proline to leucine at codon 134. This residue has moderate conservation, with a phyloP100 score of 3.83, and the variant occurs outside of known critical functional domains essential for PIK3CD protein activity. The allele frequency is extremely low at 0.000004095. Functional immune profiling showed T follicular helper (TFH) cells at 10.2%, which is below control levels, and transitional B cells at 14.2%, which is only minimally elevated, suggesting no significant immune dysregulation. Additionally, no aberrant activation of the mTOR signaling pathway was observed, indicating that PI3K signaling remains unaffected. While no publications are available to further support its classification, the absence of functional impact, normal to minimally altered immune parameters, and the lack of mTOR activation collectively support a Likely Benign classification.

Literature cited by the submitters: PubMed 31031754 (cited by Rarefied Biosciences Lab).